The following is an entry in ClinVar:

ClinVar aggregate classification (germline): Uncertain significance. Review status: criteria provided, single submitter (1 of 4 stars). 2 submissions from 2 submitters: Uncertain significance (1). 1 of the submissions does not count toward it. Last evaluated 2021-10-21.

Conditions:
RREB1-related disorder. Also called: RREB1-related condition.

Allele frequency attached by ClinVar (database versions not stated): TOPMed 0.00011; ExAC 0.00015.
gnomAD v4.1: 159 of 1,611,472 alleles (0.0099%); highest among the groups gnomAD compares: Middle Eastern, 0.016%; no homozygotes.

Submissions (2):

Ambry Genetics
Classification: Uncertain significance. Last evaluated: 2021-10-21. Review status: criteria provided, single submitter. Criteria: Ambry Variant Classification Scheme 2023. Collection method: clinical testing. Allele origin: germline.

PreventionGenetics, part of Exact Sciences
Classification: Likely benign for RREB1-related condition. Last evaluated: 2024-03-20. Review status: no assertion criteria provided. Collection method: clinical testing. Allele origin: germline. Not counted in ClinVar's aggregate classification.
Comment: This variant is classified as likely benign based on ACMG/AMP sequence variant interpretation guidelines (Richards et al. 2015 PMID: 25741868, with internal and published modifications).

NM_001003699.4(RREB1):c.3388C>T (p.Pro1130Ser)

Gene: RREB1 (ras responsive element binding protein 1; plus strand). Cytogenetic location: 6p24.3.
Variant type: single nucleotide variant.
Coding change: c.3388C>T on transcript NM_001003699.4 (MANE Select); coding-DNA position 3388, C replaced by T.
Protein change: p.Pro1130Ser; replaces proline 1130 with serine.
Molecular consequence: missense variant.
Genome position (GRCh38, 1-based): chr6:7,231,487, C>T. VCF-style: chr6-7231487-C-T. GRCh37 (hg19) VCF-style: chr6-7231720-C-T.
Other names: c.3388C>T, p.Pro1130Ser (NM_001003698.4, NM_001003700.2, NM_001168344.2); short protein forms P1130S.
Identifiers: ClinVar variation 2368864 (VCV002368864.3), dbSNP rs748997826, ClinGen allele CA3626162.
Genomic context (GRCh38, chr6:7,231,487, plus strand): 5'-AAAGCCGCCACCACCGCCACCCCCGCTGCCACCACCAGCCCAAAAGAGTCTAGTGAGCCT[C>T]CCGCTCCAGCCAGCAGCCCAGAGGCTGCCTCTCCCACCGAGCAGGGCCCAGCGGGCACGT-3'
Protein context (NP_001003699.1, residues 1120-1140): TTSPKESSEP[Pro1130Ser]APASSPEAAS